The following is an entry in ClinVar:

ClinVar aggregate classification (germline): Conflicting classifications of pathogenicity. Review status: criteria provided, conflicting classifications (1 of 4 stars). 4 submissions from 4 submitters: Uncertain significance (1); Likely benign (3). Last evaluated 2025-09-21.

Conditions:
Autosomal recessive nonsyndromic hearing loss 1A (DFNB1A). Also called: Nonsyndromic Hearing Loss and Deafness, DFNB1; GJB2-Related Autosomal Recessive Nonsyndromic Hearing Loss; GJB6-Related DFNB 1 Nonsyndromic Hearing Loss and Deafness; Deafness, autosomal recessive 1A; Connexin 26 deafness; Deafness nonsyndromic, Connexin 26 linked. Identifiers: Orphanet 90636, MedGen C2673759, MONDO:0009076, OMIM 220290.
Autosomal recessive nonsyndromic hearing loss 1B. Also called: DEAFNESS, AUTOSOMAL RECESSIVE 1B. Identifiers: Orphanet 90636, MedGen C2675235, MONDO:0012977, OMIM 612645.
Autosomal dominant nonsyndromic hearing loss 3B. Identifiers: Orphanet 90635, MedGen C2675237, MONDO:0012975, OMIM 612643.
Hidrotic ectodermal dysplasia syndrome (GJB6). Also called: Hidrotic ectodermal dysplasia; Ectodermal dysplasia 2, hidrotic; Autosomal dominant hidrotic ectodermal dysplasia; Clouston syndrome; Clouston's hidrotic ectodermal dysplasia; CLOUSTON HIDROTIC ECTODERMAL DYSPLASIA. Identifiers: Orphanet 189, MedGen C0162361, MONDO:0007510, OMIM 129500.

Allele frequency attached by ClinVar (database versions not stated): ExAC 0.00022; gnomAD exomes 0.00022 and 0.00059; gnomAD 0.00030 and 0.00032; TOPMed 0.00031.
gnomAD v4.1: 935 of 1,613,960 alleles (0.058%); highest among the groups gnomAD compares: Non-Finnish European, 0.073%; 1 homozygote.

Submissions (4):

Labcorp Genetics (formerly Invitae), Labcorp
Classification: Likely benign for Autosomal dominant nonsyndromic hearing loss 3B; Hidrotic ectodermal dysplasia syndrome; Autosomal recessive nonsyndromic hearing loss 1B; Autosomal recessive nonsyndromic hearing loss 1A. Last evaluated: 2025-09-21. Review status: criteria provided, single submitter. Criteria: Invitae Variant Classification Sherloc (09022015). Collection method: clinical testing. Allele origin: germline.

Blueprint Genetics
Classification: Likely benign. Last evaluated: 2024-09-10. Review status: criteria provided, single submitter. Criteria: ACMG Guidelines, 2015. Collection method: clinical testing. Allele origin: germline.

CeGaT Center for Human Genetics Tuebingen
Classification: Likely benign. Last evaluated: 2022-06-01. Review status: criteria provided, single submitter. Criteria: CeGaT Center For Human Genetics Tuebingen Variant Classification Criteria Version 2. Collection method: clinical testing. Allele origin: germline. Affected: yes. Observed: 1 variant allele.
Comment: GJB6: BP4, BP7

Illumina Laboratory Services, Illumina
Classification: Uncertain significance for Hidrotic ectodermal dysplasia syndrome. Last evaluated: 2018-01-12. Review status: criteria provided, single submitter. Criteria: ICSL Variant Classification Criteria 13 December 2019. Collection method: clinical testing. Allele origin: germline.

NM_001110219.3(GJB6):c.60C>T (p.Ile20=)

Gene: GJB6 (gap junction protein beta 6; minus strand). Cytogenetic location: 13q12.11.
Variant type: single nucleotide variant.
Coding change: c.60C>T on transcript NM_001110219.3 (MANE Select); coding-DNA position 60, C replaced by T.
Protein change: p.Ile20=; no amino-acid change (isoleucine 20 retained).
Molecular consequence: synonymous variant.
Genome position (GRCh38, 1-based): chr13:20,223,421, G>A on the plus strand (C>T on the coding strand, the complement: GJB6 is on the minus strand). VCF-style: chr13-20223421-G-A. GRCh37 (hg19) VCF-style: chr13-20797560-G-A.
Other names: c.60C>T, p.Ile20= (NM_001110220.3, NM_001110221.3, NM_001370090.1 and 3 more transcripts).
Identifiers: ClinVar variation 311383 (VCV000311383.40), dbSNP rs778513540, ClinGen allele CA6904520.
Genomic context (GRCh38, chr13:20,223,421, plus strand): 5'-GGCAGCCACCACGAGGATCATGACTCGGAAAATAAAGATGACTGTGATCCACACCTTCCC[G>A]ATGCTGGTGGAGTGTTTGTTGACACCCCCGATGAAAGTGTGCAGCGTCCCCCAATCCATT-3'
Protein context (NP_001103689.1, residues 10-30): IGGVNKHSTS[Ile20=]GKVWITVIFI